The following is an entry in ClinVar:

ClinVar aggregate classification (germline): Conflicting classifications of pathogenicity. Review status: criteria provided, conflicting classifications (1 of 4 stars). 18 submissions from 18 submitters: Uncertain significance (3); Benign (7); Likely benign (6). 2 of the submissions do not count toward it. Last evaluated 2026-03-01.

Conditions:
Hereditary cancer-predisposing syndrome. Also called: Hereditary Cancer Syndrome; Tumor predisposition; Neoplastic Syndromes, Hereditary; Hereditary neoplastic syndrome. Identifiers: Orphanet 140162, MedGen C0027672, MeSH D009386, MONDO:0015356.
Tuberous sclerosis syndrome (TSC). Also called: Tuberous Sclerosis Complex; Tuberous sclerosis. Identifiers: Orphanet 805, MedGen C0041341, MONDO:0001734.
Tuberous sclerosis 2 (TSC2). Identifiers: Orphanet 805, MedGen C1860707, MONDO:0013199, OMIM 613254.

Allele frequency attached by ClinVar (database versions not stated): gnomAD 0.00029; TOPMed 0.00029; gnomAD exomes 0.00030 and 0.00042; 1000 Genomes Project 30x 0.00062; 1000 Genomes Project 0.00080; ESP Exome Variant Server 0.00023; ExAC 0.00027.
gnomAD v4.1: 642 of 1,612,878 alleles (0.04%); highest among the groups gnomAD compares: Non-Finnish European, 0.048%; 1 homozygote.

Submissions (18):

CeGaT Center for Human Genetics Tuebingen
Classification: Likely benign. Last evaluated: 2026-03-01. Review status: criteria provided, single submitter. Criteria: CeGaT Center For Human Genetics Tuebingen Variant Classification Criteria Version 2. Collection method: clinical testing. Allele origin: germline. Affected: yes. Observed: 8 variant alleles.
Comment: TSC2: BS1

Labcorp Genetics (formerly Invitae), Labcorp
Classification: Benign for Tuberous sclerosis 2. Last evaluated: 2026-02-03. Review status: criteria provided, single submitter. Criteria: Invitae Variant Classification Sherloc (09022015). Collection method: clinical testing. Allele origin: germline.

Dasa
Classification: Likely benign for Tuberous sclerosis 2. Last evaluated: 2026-01-19. Review status: criteria provided, single submitter. Criteria: DASA Assertion Criteria. Collection method: clinical testing. Allele origin: germline.
Comment: NM_000548.5(TSC2):c.5116C>T (p.Arg1706Cys) is a missense variant that results in the substitution of arginine with cysteine. Population frequency is inconsistent with a disease-causing role for this variant, and observations in unaffected individuals support a benign interpretation. Therefore, based on the currently available evidence, this variant is classified as likely benign.

Quest Diagnostics Nichols Institute San Juan Capistrano
Classification: Benign. Last evaluated: 2025-07-30. Review status: criteria provided, single submitter. Criteria: Quest Diagnostics criteria. Collection method: clinical testing. Allele origin: unknown.

Myriad Genetics, Inc.
Classification: Benign for Tuberous sclerosis 2. Last evaluated: 2025-06-06. Review status: criteria provided, single submitter. Criteria: Myriad Autosomal Dominant, Autosomal Recessive and X-Linked Classification Criteria (2023). Collection method: clinical testing. Allele origin: unknown.
Comment: This variant is considered benign. This variant has been observed at a population frequency that is significantly greater than expected given the associated disease prevalence and penetrance. Homozygosity has been confirmed in one or more individuals. As homozygosity for pathogenic variants in this gene is generally assumed to result in embryonic lethality, this variant is unlikely to be pathogenic.

Blueprint Genetics
Classification: Likely benign. Last evaluated: 2024-11-27. Review status: criteria provided, single submitter. Criteria: ACMG Guidelines, 2015. Collection method: clinical testing. Allele origin: germline.

Revvity Omics, Revvity
Classification: Uncertain significance for Tuberous sclerosis 2. Last evaluated: 2023-06-09. Review status: criteria provided, single submitter. Criteria: ACMG Guidelines, 2015. Collection method: clinical testing. Allele origin: germline.

Color Diagnostics, LLC DBA Color Health
Classification: Benign for Tuberous sclerosis syndrome. Last evaluated: 2022-08-31. Review status: criteria provided, single submitter. Criteria: ACMG Guidelines, 2015. Collection method: clinical testing. Allele origin: germline.

Centre of Medical Genetics, University Hospital Muenster
Classification: Uncertain significance. Last evaluated: 2022-03-17. Review status: criteria provided, single submitter. Criteria: ACMG Guidelines, 2015. Collection method: clinical testing. Allele origin: germline. Affected: yes. Observed: 1 variant allele, 1 heterozygote.
Comment: ACMG categories: BP1

Genome-Nilou Lab
Classification: Benign for Tuberous sclerosis 2. Last evaluated: 2021-11-07. Review status: criteria provided, single submitter. Criteria: ACMG Guidelines, 2015. Collection method: clinical testing. Allele origin: germline. Affected: no.

Institute for Clinical Genetics, University Hospital TU Dresden, University Hospital TU Dresden
Classification: Uncertain significance. Last evaluated: 2021-11-03. Review status: criteria provided, single submitter. Criteria: ACMG Guidelines, 2015. Collection method: clinical testing. Allele origin: germline.

Sema4
Classification: Benign for Hereditary cancer-predisposing syndrome. Last evaluated: 2020-10-19. Review status: criteria provided, single submitter. Criteria: Sema4 Curation Guidelines. Collection method: curation. Allele origin: germline.

Ambry Genetics
Classification: Likely benign for Hereditary cancer-predisposing syndrome. Last evaluated: 2019-02-11. Review status: criteria provided, single submitter. Criteria: Ambry Variant Classification Scheme 2023. Collection method: clinical testing. Allele origin: germline.

Women's Health and Genetics/Laboratory Corporation of America, LabCorp
Classification: Likely benign. Last evaluated: 2018-03-17. Review status: criteria provided, single submitter. Criteria: LabCorp Variant Classification Summary - May 2015. Collection method: clinical testing. Allele origin: germline.
Comment: Variant summary: TSC2 c.5116C>T (p.Arg1706Cys) results in a non-conservative amino acid change located in the Rap GTPase activating protein domain of the encoded protein sequence. Four of five in-silico tools predict a damaging effect of the variant on protein function. The observed variant frequency is approximately 4-fold of the estimated maximal expected allele frequency for a pathogenic variant in TSC2 causing Tuberous Sclerosis Complex phenotype (6.9e-05), strongly suggesting that the variant is benign. The variant, c.5116C>T, has been reported in the literature in individuals affected with Tuberous Sclerosis Complex (Jozwiak_2014). These report(s) do not provide unequivocal conclusions about association of the variant with Tuberous Sclerosis Complex. A functional study, Hoogeveen-Westerveld_2012, found the variant to act comparable to wild type protein and classified as probably neutral. Multiple ClinVar submissions from clinical diagnostic laboratories (evaluation after 2014) cites the variant as "likely benign/benign." Based on the evidence outlined above, the variant was classified as likely benign.

Illumina Laboratory Services, Illumina
Classification: Likely benign for Tuberous sclerosis syndrome. Last evaluated: 2018-01-13. Review status: criteria provided, single submitter. Criteria: ICSL Variant Classification Criteria 13 December 2019. Collection method: clinical testing. Allele origin: germline.
Comment: This variant was observed in the ICSL laboratory as part of a predisposition screen in an ostensibly healthy population. It had not been previously curated by ICSL or reported in the Human Gene Mutation Database (HGMD: prior to June 1st, 2018), and was therefore a candidate for classification through an automated scoring system. Utilizing variant allele frequency, disease prevalence and penetrance estimates, and inheritance mode, an automated score was calculated to assess if this variant is too frequent to cause the disease. Based on the score and internal cut-off values, a variant classified as likely benign is not then subjected to further curation. The score for this variant resulted in a classification of likely benign for this disease.

GeneDx
Classification: Benign. Last evaluated: 2016-06-08. Review status: criteria provided, single submitter. Criteria: GeneDx Variant Classification (06012015). Collection method: clinical testing. Allele origin: germline. Affected: yes.
Comment: This variant is considered likely benign or benign based on one or more of the following criteria: it is a conservative change, it occurs at a poorly conserved position in the protein, it is predicted to be benign by multiple in silico algorithms, and/or has population frequency not consistent with disease.

Genetic Services Laboratory, University of Chicago
Classification: Likely benign. Last evaluated: 2022-11-29. Review status: no assertion criteria provided. Collection method: clinical testing. Allele origin: germline. Affected: no. Not counted in ClinVar's aggregate classification.

Tuberous sclerosis database (TSC2)
No classification provided. Condition: TSC. Review status: no classification provided. Criteria: Tuberous Sclerosis Database Assertion Criteria 2015. Collection method: curation. Allele origin: germline. Affected: yes. Not counted in ClinVar's aggregate classification.

Literature cited by the submitters: PubMed 22903760 (cited by Ambry Genetics); PubMed 25058500 (cited by Ambry Genetics and Women's Health and Genetics/Laboratory Corporation of America, LabCorp); PubMed 28505269 (cited by Ambry Genetics and Women's Health and Genetics/Laboratory Corporation of America, LabCorp); PubMed 21309039 (cited by Women's Health and Genetics/Laboratory Corporation of America, LabCorp); PubMed 26155992 (cited by Women's Health and Genetics/Laboratory Corporation of America, LabCorp); PubMed 15072102 (cited by Women's Health and Genetics/Laboratory Corporation of America, LabCorp).

NM_000548.5(TSC2):c.5116C>T (p.Arg1706Cys)

Gene: TSC2 (TSC complex subunit 2; plus strand). Cytogenetic location: 16p13.3.
Variant type: single nucleotide variant.
Coding change: c.5116C>T on transcript NM_000548.5 (MANE Select); coding-DNA position 5116, C replaced by T.
Protein change: p.Arg1706Cys; replaces arginine 1706 with cysteine.
Molecular consequence: missense variant.
Genome position (GRCh38, 1-based): chr16:2,088,095, C>T. VCF-style: chr16-2088095-C-T. GRCh37 (hg19) VCF-style: chr16-2138096-C-T.
Other names: p.R1706C:CGC>TGC; c.4915C>T, p.Arg1639Cys (NM_001077183.3); c.5047C>T, p.Arg1683Cys (NM_001114382.3); c.4807C>T, p.Arg1603Cys (NM_001318827.2); c.4771C>T, p.Arg1591Cys (NM_001318829.2); c.4384C>T, p.Arg1462Cys (NM_001318831.2); c.4948C>T, p.Arg1650Cys (NM_001318832.2); c.4918C>T, p.Arg1640Cys (NM_001363528.2); and 3 more; short protein forms R1706C, R1662C, R1663C, R1639C, R1640C, R1683C, R1462C, R1591C.
Identifiers: ClinVar variation 49912 (VCV000049912.75), dbSNP rs45517391, ClinGen allele CA021761.